The following is an entry in ClinVar:

ClinVar aggregate classification (germline): Uncertain significance (1 of 4 stars; one submission).

Allele frequency attached by ClinVar (database versions not stated): gnomAD exomes below 0.00001.
gnomAD v4.1: 1 of 1,453,516 alleles (0.000069%); highest among the groups gnomAD compares: Non-Finnish European, 0.00009%; no homozygotes.

Submission:

GeneDx
Classification: Uncertain significance. Last evaluated: 2023-10-23. Review status: criteria provided, single submitter. Criteria: GeneDx Variant Classification Process June 2021. Collection method: clinical testing. Allele origin: germline. Affected: yes.
Comment: Not observed at significant frequency in large population cohorts (gnomAD); In silico analysis supports that this missense variant does not alter protein structure/function; Has not been previously published as pathogenic or benign to our knowledge

NM_152416.4(NDUFAF6):c.73C>T (p.Pro25Ser)

Genes: NDUFAF6 (NADH:ubiquinone oxidoreductase complex assembly factor 6; plus strand), LOC113788297 (Sharpr-MPRA regulatory region 2014; plus strand). Cytogenetic location: 8q22.1.
Variant type: single nucleotide variant.
Coding change: c.73C>T on transcript NM_152416.4 (MANE Select); coding-DNA position 73, C replaced by T.
Protein change: p.Pro25Ser; replaces proline 25 with serine.
Molecular consequence: missense variant. On other transcripts: 5 prime UTR variant (12), non-coding transcript variant (6), intron variant (7).
Genome position (GRCh38, 1-based): chr8:95,025,081, C>T. VCF-style: chr8-95025081-C-T. GRCh37 (hg19) VCF-style: chr8-96037309-C-T.
Other names: c.-208C>T (NM_001330582.2, NM_001354521.2); c.-161C>T (NM_001354517.2); c.-380C>T (NM_001354518.2); c.-376C>T (NM_001354519.2); c.-725C>T (NM_001354527.2); c.-696C>T (NM_001354528.2); c.-508C>T (NM_001354529.2); c.-610C>T (NM_001354530.2); and 8 more; short protein forms P25S.
Identifiers: ClinVar variation 3252862 (VCV003252862.1), dbSNP rs2131712745.